The following is an entry in ClinVar:

ClinVar aggregate classification (germline): Likely benign. Review status: criteria provided, multiple submitters, no conflicts (2 of 4 stars). 2 submissions from 2 submitters: Likely benign (2). Last evaluated 2025-02-02.

Conditions:
Hypertrophic cardiomyopathy. Also called: HYPERTROPHIC MYOCARDIOPATHY. Identifiers: Orphanet 217569, MedGen C0007194, MeSH D002312, MONDO:0005045, HP:0001639.

Submissions (2):

Labcorp Genetics (formerly Invitae), Labcorp
Classification: Likely benign for Hypertrophic cardiomyopathy. Last evaluated: 2025-02-02. Review status: criteria provided, single submitter. Criteria: Invitae Variant Classification Sherloc (09022015). Collection method: clinical testing. Allele origin: germline.

All of Us Research Program, National Institutes of Health
Classification: Likely benign for Hypertrophic cardiomyopathy. Last evaluated: 2024-03-24. Review status: criteria provided, single submitter. Criteria: ACMG Guidelines, 2015. Collection method: clinical testing. Allele origin: germline. Inheritance: Autosomal dominant inheritance. Observed: 1 variant allele, 1 heterozygote.
Comment: This study involves interpretation of variants in research participants for the purpose of population health screening. Participant phenotype was not available at the time of variant classification. Additional details can be found in publication PMID: 35346344, PMCID: PMC8962531

NM_000363.5(TNNI3):c.151-15C>T

Gene: TNNI3 (troponin I3, cardiac type; minus strand). Cytogenetic location: 19q13.42.
Variant type: single nucleotide variant.
Coding change: c.151-15C>T on transcript NM_000363.5 (MANE Select); 15 bases into the intron before coding-DNA position 151, C replaced by T.
Molecular consequence: intron variant.
Genome position (GRCh38, 1-based): chr19:55,156,347, G>A on the plus strand (C>T on the coding strand, the complement: TNNI3 is on the minus strand). VCF-style: chr19-55156347-G-A. GRCh37 (hg19) VCF-style: chr19-55667715-G-A.
Identifiers: ClinVar variation 3386105 (VCV003386105.3).
Genomic context (GRCh38, chr19:55,156,347, plus strand): 5'-CCGCCTCTCGCTCCAGCTCTTGCTTTGCAATCTGCAGCAGCAGAGTCTGCAGAGGGGTGG[G>A]AGGGAAGCGCAGCCCACCCGGGGCTTCAGGATAAAGACCAGGCGTGGGGAACCGCCTCTG-3'